The following is an entry in ClinVar:

ClinVar aggregate classification (germline): Uncertain significance (1 of 4 stars; one submission).

Conditions:
Mendelian susceptibility to mycobacterial diseases due to partial STAT1 deficiency. Also called: IMMUNODEFICIENCY 31A, MYCOBACTERIOSIS, AUTOSOMAL DOMINANT; STAT1 DEFICIENCY, AUTOSOMAL DOMINANT; Immunodeficiency 31a. Identifiers: Orphanet 319595, MedGen C4013950, MONDO:0013956, OMIM 614892.
Immunodeficiency 31B. Also called: IMMUNODEFICIENCY 31B, MYCOBACTERIAL AND VIRAL INFECTIONS, AUTOSOMAL RECESSIVE; STAT1 DEFICIENCY, AUTOSOMAL RECESSIVE. Identifiers: Orphanet 391311, MedGen C3151088, MONDO:0013427, OMIM 613796.
Autoimmune enteropathy and endocrinopathy - susceptibility to chronic infections syndrome. Also called: Immunodeficiency 31C, autosomal dominant; Immunodeficiency 31C. Identifiers: Orphanet 391487, MedGen C3279990, MONDO:0013599, OMIM 614162.

Submission:

Labcorp Genetics (formerly Invitae), Labcorp
Classification: Uncertain significance for Mendelian susceptibility to mycobacterial diseases due to partial STAT1 deficiency; Immunodeficiency 31B; Autoimmune enteropathy and endocrinopathy - susceptibility to chronic infections syndrome. Last evaluated: 2021-02-23. Review status: criteria provided, single submitter. Criteria: Invitae Variant Classification Sherloc (09022015). Collection method: clinical testing. Allele origin: germline.
Comment: This sequence change replaces leucine with phenylalanine at codon 514 of the STAT1 protein (p.Leu514Phe). The leucine residue is highly conserved and there is a small physicochemical difference between leucine and phenylalanine. Algorithms developed to predict the effect of missense changes on protein structure and function are either unavailable or do not agree on the potential impact of this missense change (SIFT: "Deleterious"; PolyPhen-2: "Probably Damaging"; Align-GVGD: "Class C15"). This variant has not been reported in the literature in individuals with STAT1-related conditions. This variant is not present in population databases (ExAC no frequency). In summary, the available evidence is currently insufficient to determine the role of this variant in disease. Therefore, it has been classified as a Variant of Uncertain Significance.

NM_007315.4(STAT1):c.1540C>T (p.Leu514Phe)

Gene: STAT1 (signal transducer and activator of transcription 1; minus strand). Cytogenetic location: 2q32.2.
Variant type: single nucleotide variant.
Coding change: c.1540C>T on transcript NM_007315.4 (MANE Select); coding-DNA position 1540, C replaced by T.
Protein change: p.Leu514Phe; replaces leucine 514 with phenylalanine.
Molecular consequence: missense variant.
Genome position (GRCh38, 1-based): chr2:190,982,425, G>A on the plus strand (C>T on the coding strand, the complement: STAT1 is on the minus strand). VCF-style: chr2-190982425-G-A. GRCh37 (hg19) VCF-style: chr2-191847151-G-A.
Other names: c.1540C>T, p.Leu514Phe (NM_139266.3, NM_001384886.1, NM_001384889.1); c.1480C>T, p.Leu494Phe (NM_001384880.1); c.1546C>T, p.Leu516Phe (NM_001384881.1, NM_001384884.1); c.1534C>T, p.Leu512Phe (NM_001384882.1); c.1441C>T, p.Leu481Phe (NM_001384883.1); c.1381C>T, p.Leu461Phe (NM_001384885.1); c.1447C>T, p.Leu483Phe (NM_001384887.1); c.1510C>T, p.Leu504Phe (NM_001384888.1); and 2 more; short protein forms L481F, L484F, L516F, L483F, L494F, L512F, L514F, L461F.
Identifiers: ClinVar variation 1384236 (VCV001384236.8), dbSNP rs2125018329, ClinGen allele CA349916607.